The following is an entry in ClinVar:

NM_133459.4(CCBE1):c.*4796G>A

Gene: CCBE1 (collagen and calcium binding EGF domains 1; minus strand). Cytogenetic location: 18q21.32.
Variant type: single nucleotide variant.
Coding change: c.*4796G>A on transcript NM_133459.4 (MANE Select); 4796 bases downstream of the stop codon, G replaced by A.
Molecular consequence: 3 prime UTR variant.
Genome position (GRCh38, 1-based): chr18:59,431,112, C>T on the plus strand (G>A on the coding strand, the complement: CCBE1 is on the minus strand). VCF-style: chr18-59431112-C-T. GRCh37 (hg19) VCF-style: chr18-57098344-C-T.
Other names: c.*4796G>A (LRG_1209t1).
Identifiers: ClinVar variation 327588 (VCV000327588.6), dbSNP rs1048008, ClinGen allele CA10647990.
Genomic context (GRCh38, chr18:59,431,112, plus strand): 5'-TAATGAACAACAGAGCTACTCCAGTATATGACTAGTCACTGTGAAATAAAAACAGACCCA[C>T]GGCACACATGAAATTCCTAAGGGGACTTGCTTTGATCCCCTGGGGAGTAAGAGGGTCCTT-3'

ClinVar aggregate classification (germline): Benign. Review status: criteria provided, multiple submitters, no conflicts (2 of 4 stars). 2 submissions from 2 submitters: Benign (2). Last evaluated 2018-01-13.

Conditions:
Hennekam lymphangiectasia-lymphedema syndrome 1 (HKLLS1). Also called: LYMPHATIC DYSPLASIA, GENERALIZED. Identifiers: Orphanet 2136, MedGen C4012050, MONDO:0009337, OMIM 235510.

Allele frequency attached by ClinVar (database versions not stated): TOPMed 0.81647; gnomAD 0.81742 and 0.81779; 1000 Genomes Project 0.82109; 1000 Genomes Project 30x 0.82167; gnomAD exomes 1.00000.
gnomAD v4.1: 124,398 of 152,192 alleles (82%); highest among the groups gnomAD compares: South Asian, 90%; 50,948 homozygotes.

Submissions (2):

Illumina Laboratory Services, Illumina
Classification: Benign for Hennekam lymphangiectasia-lymphedema syndrome 1. Last evaluated: 2018-01-13. Review status: criteria provided, single submitter. Criteria: ICSL Variant Classification Criteria 13 December 2019. Collection method: clinical testing. Allele origin: germline.
Comment: This variant was observed in the ICSL laboratory as part of a predisposition screen in an ostensibly healthy population. It had not been previously curated by ICSL or reported in the Human Gene Mutation Database (HGMD: prior to June 1st, 2018), and was therefore a candidate for classification through an automated scoring system. Utilizing variant allele frequency, disease prevalence and penetrance estimates, and inheritance mode, an automated score was calculated to assess if this variant is too frequent to cause the disease. Based on the score and internal cut-off values, a variant classified as benign is not then subjected to further curation. The score for this variant resulted in a classification of benign for this disease.

Breakthrough Genomics
Classification: Benign. Review status: criteria provided, single submitter. Criteria: ACMG Guidelines, 2015. Collection method: not provided. Allele origin: germline. Inheritance: Autosomal recessive inheritance. Affected: yes.